The following is an entry in ClinVar:

NM_000548.5(TSC2):c.605T>C (p.Ile202Thr)

Gene: TSC2 (TSC complex subunit 2; plus strand). Cytogenetic location: 16p13.3.
Variant type: single nucleotide variant.
Coding change: c.605T>C on transcript NM_000548.5 (MANE Select); coding-DNA position 605, T replaced by C.
Protein change: p.Ile202Thr; replaces isoleucine 202 with threonine.
Molecular consequence: missense variant.
Genome position (GRCh38, 1-based): chr16:2,056,201, T>C. VCF-style: chr16-2056201-T-C. GRCh37 (hg19) VCF-style: chr16-2106202-T-C.
Other names: c.605T>C, p.Ile202Thr (NM_001406663.1, NM_001406664.1, NM_001406665.1 and 8 more transcripts); c.695T>C, p.Ile232Thr (NM_001406667.1, NM_001406668.1); c.494T>C, p.Ile165Thr (NM_001406670.1, NM_001406678.1, NM_001318827.2); c.458T>C, p.Ile153Thr (NM_001406675.1, NM_001406676.1, NM_001406679.1 and 1 more transcripts); c.548T>C, p.Ile183Thr (NM_001406677.1); c.5T>C, p.Ile2Thr (NM_001406680.1, NM_001406682.1, NM_001406683.1 and 6 more transcripts); c.143T>C, p.Ile48Thr (NM_001406681.1); c.-827T>C (NM_001406689.1, NM_001406690.1, NM_001406691.1 and 3 more transcripts); and 4 more; short protein forms I165T, I213T, I153T, I183T, I232T, I2T, I202T, I48T.
Identifiers: ClinVar variation 2186161 (VCV002186161.2), dbSNP rs2548449804, ClinGen allele CA394310632.
Genomic context (GRCh38, chr16:2,056,201, plus strand): 5'-GGTGGCTCGGCCATCCAGGCAGTGCTGCCGGGACTGAGCTCGGTGCTCCCTGCAGGATGA[T>C]CTGTCTGCTGTGCGTCCGGACCGCGTCCTCTGTGGACATAGAGGTCAGTGCCTCCCCTCC-3'
Protein context (NP_000539.2, residues 192-212): DEYIARMVQM[Ile202Thr]CLLCVRTASS

ClinVar aggregate classification (germline): Uncertain significance. Review status: criteria provided, multiple submitters, no conflicts (2 of 4 stars). 2 submissions from 2 submitters: Uncertain significance (2). Last evaluated 2026-02-11.

Conditions:
Hereditary cancer-predisposing syndrome. Also called: Hereditary neoplastic syndrome; Neoplastic Syndromes, Hereditary; Tumor predisposition; Hereditary Cancer Syndrome. Identifiers: Orphanet 140162, MedGen C0027672, MeSH D009386, MONDO:0015356.
Tuberous sclerosis 2 (TSC2). Identifiers: Orphanet 805, MedGen C1860707, MONDO:0013199, OMIM 613254.

Submissions (2):

Ambry Genetics
Classification: Uncertain significance for Hereditary cancer-predisposing syndrome. Last evaluated: 2026-02-11. Review status: criteria provided, single submitter. Criteria: Ambry Variant Classification Scheme 2023. Collection method: clinical testing. Allele origin: germline.
Comment: The p.I202T variant (also known as c.605T>C), located in coding exon 6 of the TSC2 gene, results from a T to C substitution at nucleotide position 605. The isoleucine at codon 202 is replaced by threonine, an amino acid with similar properties. This amino acid position is highly conserved in available vertebrate species. In addition, the in silico prediction for this alteration is inconclusive. Based on the available evidence, the clinical significance of this variant remains unclear.

Labcorp Genetics (formerly Invitae), Labcorp
Classification: Uncertain significance for Tuberous sclerosis 2. Last evaluated: 2022-03-27. Review status: criteria provided, single submitter. Criteria: Invitae Variant Classification Sherloc (09022015). Collection method: clinical testing. Allele origin: germline.
Comment: This sequence change replaces isoleucine, which is neutral and non-polar, with threonine, which is neutral and polar, at codon 202 of the TSC2 protein (p.Ile202Thr). This variant is not present in population databases (gnomAD no frequency). This variant has not been reported in the literature in individuals affected with TSC2-related conditions. Advanced modeling of protein sequence and biophysical properties (such as structural, functional, and spatial information, amino acid conservation, physicochemical variation, residue mobility, and thermodynamic stability) performed at Invitae indicates that this missense variant is not expected to disrupt TSC2 protein function. In summary, the available evidence is currently insufficient to determine the role of this variant in disease. Therefore, it has been classified as a Variant of Uncertain Significance.